The following is an entry in ClinVar:

ClinVar aggregate classification (germline): Likely pathogenic (1 of 4 stars; one submission).

Submission:

GeneDx
Classification: Likely pathogenic. Last evaluated: 2021-11-10. Review status: criteria provided, single submitter. Criteria: GeneDx Variant Classification Process June 2021. Collection method: clinical testing. Allele origin: germline. Affected: yes.
Comment: Frameshift variant predicted to result in protein truncation or nonsense mediated decay in a gene for which loss-of-function is a known mechanism of disease; Not observed at significant frequency in large population cohorts (Lek et al., 2016); Has not been previously published as pathogenic or benign to our knowledge

NM_002485.5(NBN):c.224del (p.Gly75fs)

Gene: NBN (nibrin; minus strand). Cytogenetic location: 8q21.3.
Variant type: Deletion.
Coding change: c.224del on transcript NM_002485.5 (MANE Select); coding-DNA position 224, one base deleted (G; older notation c.224delG).
Protein change: p.Gly75fs; shifts the reading frame from glycine 75.
Molecular consequence: frameshift variant. On other transcripts: 5 prime UTR variant (1).
Genome position (GRCh38, 1-based): chr8:89,981,471, C deleted on the plus strand (G on the coding strand, the reverse complement: NBN is on the minus strand); the first of 2 consecutive C bases (chr8:89,981,471-89,981,472); deleting either gives the same sequence. VCF-style (leftmost placement, unchanged base first): chr8-89981470-AC-A. GRCh37 (hg19) VCF-style: chr8-90993698-AC-A.
Other names: c.224delG (NM_002485.4); c.-23del (NM_001024688.3); short protein forms G75fs.
Identifiers: ClinVar variation 545766 (VCV000545766.4), dbSNP rs1554568344, ClinGen allele CA658823275.
Genomic context (GRCh38, chr8:89,981,470, plus strand): 5'-ATCCCCCGACTTCAAAGTTCGGGAAAAGCCATTCTGCATTTTTTCCTCATTAACAAAGGT[AC>A]CATACTTAGAATTATCTTTTAATGTCAATACAGGGATTTCATCTGTTTGACTCTGAAAAG-3'